The following is an entry in ClinVar:

NM_000875.5(IGF1R):c.1480C>T (p.His494Tyr)

Gene: IGF1R (insulin like growth factor 1 receptor; plus strand). Cytogenetic location: 15q26.3.
Variant type: single nucleotide variant.
Coding change: c.1480C>T on transcript NM_000875.5 (MANE Select); coding-DNA position 1480, C replaced by T.
Protein change: p.His494Tyr; replaces histidine 494 with tyrosine.
Molecular consequence: missense variant.
Genome position (GRCh38, 1-based): chr15:98,911,332, C>T. VCF-style: chr15-98911332-C-T. GRCh37 (hg19) VCF-style: chr15-99454561-C-T.
Other names: c.1480C>T, p.His494Tyr (NM_001291858.2); short protein forms H494Y.
Identifiers: ClinVar variation 2870073 (VCV002870073.4), dbSNP rs1201603650, ClinGen allele CA393677849.

ClinVar aggregate classification (germline): Uncertain significance. Review status: criteria provided, multiple submitters, no conflicts (2 of 4 stars). 2 submissions from 2 submitters: Uncertain significance (2). Last evaluated 2023-11-21.

Conditions:
Growth delay due to insulin-like growth factor I resistance. Also called: Somatomedin end-organ insensitivity to; Somatomedin-c resistance to; IGF-1 resistance; IGF-I RESISTANCE; Insulin-Like Growth Factor I Resistance. Identifiers: Orphanet 73273, MedGen C1849157, MONDO:0010038, OMIM 270450.

Allele frequency attached by ClinVar (database versions not stated): gnomAD exomes below 0.00001.
gnomAD v4.1: 5 of 1,614,156 alleles (0.00031%); highest among the groups gnomAD compares: African/African-American, 0.004%; no homozygotes.

Submissions (2):

Labcorp Genetics (formerly Invitae), Labcorp
Classification: Uncertain significance. Last evaluated: 2023-11-21. Review status: criteria provided, single submitter. Criteria: Invitae Variant Classification Sherloc (09022015). Collection method: clinical testing. Allele origin: germline.
Comment: This sequence change replaces histidine, which is basic and polar, with tyrosine, which is neutral and polar, at codon 494 of the IGF1R protein (p.His494Tyr). This variant is present in population databases (no rsID available, gnomAD 0.006%). This variant has not been reported in the literature in individuals affected with IGF1R-related conditions. Advanced modeling of protein sequence and biophysical properties (such as structural, functional, and spatial information, amino acid conservation, physicochemical variation, residue mobility, and thermodynamic stability) performed at Invitae indicates that this missense variant is not expected to disrupt IGF1R protein function with a negative predictive value of 80%. In summary, the available evidence is currently insufficient to determine the role of this variant in disease. Therefore, it has been classified as a Variant of Uncertain Significance.

Laboratorio de Genetica e Diagnostico Molecular, Hospital Israelita Albert Einstein
Classification: Uncertain significance for Growth delay due to insulin-like growth factor I resistance. Last evaluated: 2023-10-11. Review status: criteria provided, single submitter. Criteria: ACMG Guidelines, 2015. Collection method: clinical testing. Allele origin: germline. Affected: yes.
Comment: ACMG classification criteria: PM2 moderate, BP4 supporting